The following is an entry in ClinVar:

NM_005215.4(DCC):c.3242G>A (p.Gly1081Glu)

Gene: DCC (DCC netrin 1 receptor; plus strand). Cytogenetic location: 18q21.2.
Variant type: single nucleotide variant.
Coding change: c.3242G>A on transcript NM_005215.4 (MANE Select); coding-DNA position 3242, G replaced by A.
Protein change: p.Gly1081Glu; replaces glycine 1081 with glutamic acid.
Molecular consequence: missense variant.
Genome position (GRCh38, 1-based): chr18:53,450,512, G>A. VCF-style: chr18-53450512-G-A. GRCh37 (hg19) VCF-style: chr18-50976882-G-A.
Other names: short protein forms G1081E.
Identifiers: ClinVar variation 373142 (VCV000373142.1), dbSNP rs1057518248, ClinGen allele CA16043064.
Genomic context (GRCh38, chr18:53,450,512, plus strand): 5'-CTGCCACATCTTCCTAAACCTGAACTCCATTTTCCTGTCTTTTCCCAGAGCCGCCAATTG[G>A]ACAAATGCACCCCCCGCATGGCAGTGTCACTCCTCAGAAGAACAGCAACCTGCTTGTGAT-3'
Protein context (NP_005206.2, residues 1071-1091): DRSTLNEPPI[Gly1081Glu]QMHPPHGSVT

ClinVar aggregate classification (germline): Uncertain significance (1 of 4 stars; one submission).

Allele frequency attached by ClinVar (database versions not stated): gnomAD exomes below 0.00001.
gnomAD v4.1: 1 of 1,613,890 alleles (0.000062%); highest among the groups gnomAD compares: East Asian, 0.0022%; no homozygotes.

Submission:

GeneDx
Classification: Uncertain significance. Last evaluated: 2016-11-21. Review status: criteria provided, single submitter. Criteria: GeneDx Variant Classification (06012015). Collection method: clinical testing. Allele origin: germline. Affected: yes.
Comment: The G1081E variant in the DCC gene has not been reported previously as a pathogenic variant, nor as a benign variant, to our knowledge. The G1081E variant was not observed in approximately 6,500 individuals of European and African American ancestry in the NHLBI Exome Sequencing Project, indicating it is not a common benign variant in these populations. The G1081E variant is a non-conservative amino acid substitution, which is likely to impact secondary protein structure as these residues differ in polarity, charge, size and/or other properties. This substitution occurs at a position that is conserved across species. In silico analysis predicts this variant is probably damaging to the protein structure/function. We interpret G1081E as a variant of uncertain significance.